The following is an entry in ClinVar:

ClinVar aggregate classification (germline): Uncertain significance (1 of 4 stars; one submission).

Conditions:
Hypogonadotropic hypogonadism 2 with or without anosmia (HH2). Also called: HYPOGONADOTROPIC HYPOGONADISM 2 WITHOUT ANOSMIA; HYPOGONADOTROPIC HYPOGONADISM 2 WITH OR WITHOUT ANOSMIA, SUSCEPTIBILITY TO; HYPOGONADOTROPIC HYPOGONADISM 2 WITHOUT ANOSMIA, SUSCEPTIBILITY TO; FGFR1-Related GnRH Deficiency (Kallmann Syndrome 2). Identifiers: Orphanet 478, MedGen C1563720, MONDO:0007844, OMIM 147950. Disease mechanism: loss of function.

gnomAD v4.1: 1 of 1,614,252 alleles (0.000062%); highest among the groups gnomAD compares: Non-Finnish European, 0.000085%; no homozygotes.

Submission:

Department of Pediatrics, Asan Medical Center, University of Ulsan College of Medicine
Classification: Uncertain significance for Hypogonadotropic hypogonadism 2 with or without anosmia. Last evaluated: 2026-07-19. Review status: criteria provided, single submitter. Criteria: ACMG Guidelines, 2015. Collection method: research. Allele origin: germline. Inheritance: Autosomal dominant inheritance. Affected: yes. Observed: 1 heterozygote.
Comment: ACMG/AMP evidence codes: PM1, PM2_Supporting, PP2. In silico predictions: CADD 22.8, PolyPhen-2 possibly damaging, SIFT damaging, REVEL 0.523, MutationTaster disease causing. Not found in gnomAD. Novel variant.

NM_023110.3(FGFR1):c.559A>C (p.Thr187Pro)

Gene: FGFR1 (fibroblast growth factor receptor 1; minus strand). Cytogenetic location: 8p11.23.
Variant type: single nucleotide variant.
Coding change: c.559A>C on transcript NM_023110.3 (MANE Select); coding-DNA position 559, A replaced by C.
Protein change: p.Thr187Pro; replaces threonine 187 with proline.
Molecular consequence: missense variant.
Genome position (GRCh38, 1-based): chr8:38,427,983, T>G on the plus strand (A>C on the coding strand, the complement: FGFR1 is on the minus strand). VCF-style: chr8-38427983-T-G. GRCh37 (hg19) VCF-style: chr8-38285501-T-G.
Other names: c.559A>C, p.Thr187Pro (NM_001174063.2); c.535A>C, p.Thr179Pro (NM_001174064.2); c.553A>C, p.Thr185Pro (NM_001174065.2, NM_001354367.2, NM_001354369.2 and 2 more transcripts); c.292A>C, p.Thr98Pro (NM_001174066.2, NM_023105.3); c.652A>C, p.Thr218Pro (NM_001174067.2); c.286A>C, p.Thr96Pro (NM_001354368.2, NM_001354370.2, NM_023106.3); short protein forms T179P, T185P, T187P, T218P, T96P, T98P.
Identifiers: ClinVar variation 4879462 (VCV004879462.1).
Genomic context (GRCh38, chr8:38,427,983, plus strand): 5'-TGTAGCCTCCAATTCTGTGGTCAGGTTTGAATTCTTTGCCATTTTTCAACCAGCGCAGTG[T>G]GGGGTTTGGGGTCCCACTGGAAGGGCATTTGAACTTCACTGTCTTGGCAGCCGGCACTGC-3'
Protein context (NP_075598.2, residues 177-197): KCPSSGTPNP[Thr187Pro]LRWLKNGKEF